The following is an entry in ClinVar:

NM_145239.3(PRRT2):c.679C>T (p.Arg227Ter)

Genes: MVP-DT (MVP divergent transcript; minus strand), PRRT2 (proline rich transmembrane protein 2; plus strand). Cytogenetic location: 16p11.2.
Variant type: single nucleotide variant.
Coding change: c.679C>T on transcript NM_145239.3 (MANE Select); coding-DNA position 679, C replaced by T.
Protein change: p.Arg227Ter; replaces arginine 227 with a stop codon.
Molecular consequence: nonsense.
Genome position (GRCh38, 1-based): chr16:29,813,733, C>T. VCF-style: chr16-29813733-C-T. GRCh37 (hg19) VCF-style: chr16-29825054-C-T.
Other names: c.679C>T, p.Arg227Ter (NM_001256442.2, NM_001256443.2); c.679C>T (NM_145239.2); short protein forms R227*.
Identifiers: ClinVar variation 2152260 (VCV002152260.8), dbSNP rs370732306, ClinGen allele CA395479261.

ClinVar aggregate classification (germline): Pathogenic. Review status: criteria provided, multiple submitters, no conflicts (2 of 4 stars). 4 submissions from 4 submitters: Pathogenic (4). Last evaluated 2026-05-07.

Conditions:
Episodic kinesigenic dyskinesia (EKD). Also called: Paroxysmal kinesigenic dyskinesia. Identifiers: Orphanet 98809, MedGen C1868682, MONDO:0044202.
Seizures, benign familial infantile, 2 (BFIS2). Also called: CONVULSIONS, BENIGN FAMILIAL INFANTILE, 2. Identifiers: Orphanet 306, MedGen C1853995, MONDO:0011593, OMIM 605751.
Episodic kinesigenic dyskinesia 1 (EKD1). Also called: DYSTONIA, FAMILIAL PAROXYSMAL; PAROXYSMAL KINESIGENIC CHOREOATHETOSIS; Dystonia 10; PRRT2-Related Paroxysmal Kinesigenic Dyskinesia (PKD); PxMD-PRRT2. Identifiers: Orphanet 98809, MedGen C4552000, MONDO:0100352, OMIM 128200, MONDO:0007494.
Infantile convulsions and choreoathetosis (ICCA). Also called: PAROXYSMAL KINESIGENIC DYSKINESIA WITH INFANTILE CONVULSIONS; PRRT2-Related Paroxysmal Kinesigenic Dyskinesia with Infantile Convulsions (PKD/IC). Identifiers: Orphanet 31709, MedGen C1865926, MONDO:0011178, OMIM 602066.

Submissions (4):

GeneDx
Classification: Pathogenic. Last evaluated: 2026-05-07. Review status: criteria provided, single submitter. Criteria: GeneDx Variant Classification Process June 2021. Collection method: clinical testing. Allele origin: germline.
Comment: Nonsense variant predicted to result in protein truncation or nonsense mediated decay in a gene for which loss of function is a known mechanism of disease; Not observed at significant frequency in large population cohorts (gnomAD); This variant is associated with the following publications: (PMID: Altamirano2024[CaseReport], 32651081, 35428900, 29215089, 41416966)

Labcorp Genetics (formerly Invitae), Labcorp
Classification: Pathogenic for Episodic kinesigenic dyskinesia. Last evaluated: 2025-11-19. Review status: criteria provided, single submitter. Criteria: Invitae Variant Classification Sherloc (09022015). Collection method: clinical testing. Allele origin: germline.
Comment: This sequence change creates a premature translational stop signal (p.Arg227*) in the PRRT2 gene. It is expected to result in an absent or disrupted protein product. Loss-of-function variants in PRRT2 are known to be pathogenic (PMID: 22623405, 22744660). This variant is not present in population databases (gnomAD no frequency). This premature translational stop signal has been observed in individual(s) with PRRT2-related conditions (PMID: 29215089, 32651081). ClinVar contains an entry for this variant (Variation ID: 2152260). For these reasons, this variant has been classified as Pathogenic.

Clinical Genetics Service, Universitary Hospital 12 de Octubre
Classification: Pathogenic for Seizures, benign familial infantile, 2. Review status: criteria provided, single submitter. Criteria: ACMG Guidelines, 2015. Collection method: clinical testing. Allele origin: paternal. Affected: yes.

Juno Genomics, Hangzhou Juno Genomics, Inc
Classification: Pathogenic for Seizures, benign familial infantile, 2; Infantile convulsions and choreoathetosis; Episodic kinesigenic dyskinesia 1. Review status: criteria provided, single submitter. Criteria: ACMG Guidelines, 2015. Collection method: clinical testing. Allele origin: germline. Affected: yes.
Comment: Absent from controls (or at extremely low frequency if recessive) in Genome Aggregation Database.;Null variant in a gene where loss of function (LOF) is a known mechanism of disease.;The prevalence of the variant in affected individuals is significantly increased compared to the prevalence in controls.

Literature cited by the submitters: PubMed 22623405 (cited by Labcorp Genetics (formerly Invitae), Labcorp); PubMed 22744660 (cited by Labcorp Genetics (formerly Invitae), Labcorp); PubMed 29215089 (cited by Labcorp Genetics (formerly Invitae), Labcorp); PubMed 32651081 (cited by Labcorp Genetics (formerly Invitae), Labcorp).